The following is an entry in ClinVar:

NM_004260.4(RECQL4):c.2374_2375insT (p.Pro792fs)

Gene: RECQL4 (RecQ like helicase 4; minus strand). Cytogenetic location: 8q24.3.
Variant type: Insertion.
Coding change: c.2374_2375insT on transcript NM_004260.4 (MANE Select); coding-DNA positions 2374 to 2375, T inserted.
Protein change: p.Pro792fs; shifts the reading frame from proline 792.
Molecular consequence: frameshift variant.
Genome position: GRCh38 VCF-style: chr8-144513306-G-GA. GRCh37 (hg19) VCF-style: chr8-145738689-G-GA.
Other names: short protein forms P792fs.
Identifiers: ClinVar variation 1073655 (VCV001073655.6), dbSNP rs2130677764, ClinGen allele CA2499219179.

ClinVar aggregate classification (germline): Conflicting classifications of pathogenicity. Review status: criteria provided, conflicting classifications (1 of 4 stars). 2 submissions from 2 submitters: Pathogenic (1); Uncertain significance (1). Last evaluated 2025-04-09.

Conditions:
Baller-Gerold syndrome (BGS). Also called: CRANIOSYNOSTOSIS WITH RADIAL DEFECTS. Identifiers: Orphanet 1225, MedGen C0265308, MONDO:0009039, OMIM 218600.

Submissions (2):

Labcorp Genetics (formerly Invitae), Labcorp
Classification: Pathogenic for Baller-Gerold syndrome. Last evaluated: 2025-04-09. Review status: criteria provided, single submitter. Criteria: Invitae Variant Classification Sherloc (09022015). Collection method: clinical testing. Allele origin: germline.
Comment: This sequence change creates a premature translational stop signal (p.Pro792Leufs*17) in the RECQL4 gene. It is expected to result in an absent or disrupted protein product. Loss-of-function variants in RECQL4 are known to be pathogenic (PMID: 12734318, 12952869). This variant is not present in population databases (gnomAD no frequency). This variant has not been reported in the literature in individuals affected with RECQL4-related conditions. ClinVar contains an entry for this variant (Variation ID: 1073655). For these reasons, this variant has been classified as Pathogenic.

Center for Genomic Medicine, Rigshospitalet, Copenhagen University Hospital
Classification: Uncertain significance. Last evaluated: 2025-03-04. Review status: criteria provided, single submitter. Criteria: ACMG Guidelines, 2015. Collection method: clinical testing. Allele origin: germline.

Literature cited by the submitters: PubMed 12734318 (cited by Labcorp Genetics (formerly Invitae), Labcorp); PubMed 12952869 (cited by Labcorp Genetics (formerly Invitae), Labcorp); PubMed 29625052 (cited by Center for Genomic Medicine, Rigshospitalet, Copenhagen University Hospital); PubMed 28423363 (cited by Center for Genomic Medicine, Rigshospitalet, Copenhagen University Hospital); PubMed 30306255 (cited by Center for Genomic Medicine, Rigshospitalet, Copenhagen University Hospital); PubMed 30947698 (cited by Center for Genomic Medicine, Rigshospitalet, Copenhagen University Hospital).